The following is an entry in ClinVar:

NM_005655.4(KLF10):c.119A>G (p.Glu40Gly)

Gene: KLF10 (KLF transcription factor 10; minus strand). Cytogenetic location: 8q22.3.
Variant type: single nucleotide variant.
Coding change: c.119A>G on transcript NM_005655.4 (MANE Select); coding-DNA position 119, A replaced by G.
Protein change: p.Glu40Gly; replaces glutamic acid 40 with glycine.
Molecular consequence: missense variant. On other transcripts: non-coding transcript variant (2).
Genome position (GRCh38, 1-based): chr8:102,652,315, T>C on the plus strand (A>G on the coding strand, the complement: KLF10 is on the minus strand). VCF-style: chr8-102652315-T-C. GRCh37 (hg19) VCF-style: chr8-103664543-T-C.
Other names: c.86A>G, p.Glu29Gly (NM_001032282.4); short protein forms E29G, E40G.
Identifiers: ClinVar variation 2035750 (VCV002035750.4), dbSNP rs1260215487, ClinGen allele CA371630592.
Genomic context (GRCh38, chr8:102,652,315, plus strand): 5'-ACGTATTTCTTAAAATCAGACTTCCAACTGCAGCTCATTGACATAAGTGCTTCTACAGCT[T>C]CAAAATCACTTTTCTCTGCAGTTTTGTTCCAGGAATACATACTCTCTTTTGGCCTTTCAG-3'
Protein context (NP_005646.1, residues 30-50): WNKTAEKSDF[Glu40Gly]AVEALMSMSC

ClinVar aggregate classification (germline): Uncertain significance (1 of 4 stars; one submission).

Allele frequency attached by ClinVar (database versions not stated): TOPMed below 0.00001; gnomAD 0.00001.

Submission:

Labcorp Genetics (formerly Invitae), Labcorp
Classification: Uncertain significance. Last evaluated: 2022-10-19. Review status: criteria provided, single submitter. Criteria: Invitae Variant Classification Sherloc (09022015). Collection method: clinical testing. Allele origin: germline.
Comment: This sequence change replaces glutamic acid, which is acidic and polar, with glycine, which is neutral and non-polar, at codon 40 of the KLF10 protein (p.Glu40Gly). This variant is present in population databases (no rsID available, gnomAD 0.007%). This variant has not been reported in the literature in individuals affected with KLF10-related conditions. Algorithms developed to predict the effect of missense changes on protein structure and function (SIFT, PolyPhen-2, Align-GVGD) all suggest that this variant is likely to be disruptive. In summary, the available evidence is currently insufficient to determine the role of this variant in disease. Therefore, it has been classified as a Variant of Uncertain Significance.